The following is an entry in ClinVar:

ClinVar aggregate classification (germline): Uncertain significance (1 of 4 stars; one submission).

Conditions:
Supravalvar aortic stenosis (SVAS). Also called: Supravalvar aortic stenosis, Eisenberg type. Identifiers: Orphanet 3193, MedGen C0003499, MONDO:0008504, OMIM 185500, HP:0004381.

Allele frequency attached by ClinVar (database versions not stated): gnomAD exomes below 0.00001.
gnomAD v4.1: 1 of 1,614,064 alleles (0.000062%); highest among the groups gnomAD compares: Non-Finnish European, 0.000085%; no homozygotes.

Submission:

Labcorp Genetics (formerly Invitae), Labcorp
Classification: Uncertain significance for Supravalvar aortic stenosis. Last evaluated: 2022-09-13. Review status: criteria provided, single submitter. Criteria: Invitae Variant Classification Sherloc (09022015). Collection method: clinical testing. Allele origin: germline.
Comment: This variant is present in population databases (no rsID available, gnomAD 0.0009%). In summary, the available evidence is currently insufficient to determine the role of this variant in disease. Therefore, it has been classified as a Variant of Uncertain Significance. Variants that disrupt the consensus splice site are a relatively common cause of aberrant splicing (PMID: 17576681, 9536098). Algorithms developed to predict the effect of sequence changes on RNA splicing suggest that this variant is not likely to affect RNA splicing. This variant has not been reported in the literature in individuals affected with ELN-related conditions. This sequence change falls in intron 3 of the ELN gene. It does not directly change the encoded amino acid sequence of the ELN protein. It affects a nucleotide within the consensus splice site.

Literature cited by the submitters: PubMed 17576681; PubMed 9536098.

NM_000501.4(ELN):c.163+3G>A

Gene: ELN (elastin; plus strand). Cytogenetic location: 7q11.23.
Variant type: single nucleotide variant.
Coding change: c.163+3G>A on transcript NM_000501.4 (MANE Select); 3 bases into the intron after coding-DNA position 163, G replaced by A.
Molecular consequence: intron variant.
Genome position (GRCh38, 1-based): chr7:74,036,587, G>A. VCF-style: chr7-74036587-G-A. GRCh37 (hg19) VCF-style: chr7-73450917-G-A.
Other names: c.163+3G>A (NM_001081754.3, NM_001081753.3, NM_001278939.2 and 5 more transcripts); c.134-1120G>A (NM_001278914.2, NM_001278917.2, NM_001081752.3 and 1 more transcripts).
Identifiers: ClinVar variation 2200951 (VCV002200951.4), dbSNP rs1554665899, ClinGen allele CA575344639.
Genomic context (GRCh38, chr7:74,036,587, plus strand): 5'-CTCTCTTTCTCTTTCTCTCCCCCCACAGGGGCTGGTCTCGGAGCCCTTGGAGGAGGAGGT[G>A]AGCTCAGAAACCACACTTGTTCATCACTGAAAGGGCCTGGGTTTCACCCGAGCCACATGC-3'